The following is an entry in ClinVar:

ClinVar aggregate classification (germline): Benign. Review status: criteria provided, multiple submitters, no conflicts (2 of 4 stars). 12 submissions from 12 submitters: Benign (7). 5 of the submissions do not count toward it. Last evaluated 2026-01-24.

Conditions:
OPHN1-related disorder.
Inborn genetic diseases. Identifiers: MedGen C0950123, MeSH D030342.
Intellectual developmental disorder, X-linked, syndromic, Billuart type. Also called: MENTAL RETARDATION, X-LINKED 60; X-linked intellectual disability-cerebellar hypoplasia syndrome. Identifiers: Orphanet 137831, MedGen C1845366, MONDO:0010337, OMIM 300486.

Allele frequency attached by ClinVar (database versions not stated): gnomAD exomes 0.00223; ExAC 0.00261; gnomAD 0.00403 and 0.00404; ESP Exome Variant Server 0.00483; TOPMed 0.00495; 1000 Genomes Project 0.00530; 1000 Genomes Project 30x 0.00604.
gnomAD v4.1: 1,746 of 1,208,730 alleles (0.14%); highest among the groups gnomAD compares: African/African-American, 1.2%; 6 homozygotes.

Submissions (12):

Labcorp Genetics (formerly Invitae), Labcorp
Classification: Benign. Last evaluated: 2026-01-24. Review status: criteria provided, single submitter. Criteria: Invitae Variant Classification Sherloc (09022015). Collection method: clinical testing. Allele origin: germline.

ARUP Laboratories, Molecular Genetics and Genomics, ARUP Laboratories
Classification: Benign for Intellectual developmental disorder, X-linked, syndromic, Billuart type. Last evaluated: 2024-09-17. Review status: criteria provided, single submitter. Criteria: ARUP Molecular Germline Variant Investigation Process 2024. Collection method: clinical testing. Allele origin: germline.

Center for Pediatric Genomic Medicine, Children's Mercy Hospital and Clinics
Classification: Benign. Last evaluated: 2016-09-15. Review status: criteria provided, single submitter. Criteria: ACMG Guidelines, 2015. Collection method: clinical testing. Allele origin: germline.

Ambry Genetics
Classification: Benign for Inborn genetic diseases. Last evaluated: 2016-09-06. Review status: criteria provided, single submitter. Criteria: Ambry Variant Classification Scheme 2023. Collection method: clinical testing. Allele origin: germline.

GeneDx
Classification: Benign. Last evaluated: 2015-07-30. Review status: criteria provided, single submitter. Criteria: GeneDx Variant Classification (06012015). Collection method: clinical testing. Allele origin: germline. Affected: yes.
Comment: This variant is considered likely benign or benign based on one or more of the following criteria: it is a conservative change, it occurs at a poorly conserved position in the protein, it is predicted to be benign by multiple in silico algorithms, and/or has population frequency not consistent with disease.

Genetic Services Laboratory, University of Chicago
Classification: Benign. Last evaluated: 2013-02-08. Review status: criteria provided, single submitter. Criteria: ACMG Guidelines, 2007. Collection method: clinical testing. Allele origin: germline. Inheritance: X-linked inheritance.

Breakthrough Genomics
Classification: Benign. Review status: criteria provided, single submitter. Criteria: ACMG Guidelines, 2015. Collection method: not provided. Allele origin: germline. Inheritance: X-linked inheritance. Affected: yes.

PreventionGenetics, part of Exact Sciences
Classification: Benign for OPHN1-related condition. Last evaluated: 2024-08-07. Review status: no assertion criteria provided. Collection method: clinical testing. Allele origin: germline. Not counted in ClinVar's aggregate classification.
Comment: This variant is classified as benign based on ACMG/AMP sequence variant interpretation guidelines (Richards et al. 2015 PMID: 25741868, with internal and published modifications).

Clinical Genetics DNA and cytogenetics Diagnostics Lab, Erasmus MC, Erasmus Medical Center
Classification: Likely benign. Review status: no assertion criteria provided. Collection method: clinical testing. Allele origin: germline. Affected: yes. Study: VKGL Data-share Consensus. Not counted in ClinVar's aggregate classification.

Diagnostic Laboratory, Department of Genetics, University Medical Center Groningen
Classification: Likely benign for Intellectual developmental disorder, X-linked, syndromic, Billuart type. Review status: no assertion criteria provided. Collection method: clinical testing. Allele origin: germline. Affected: yes. Study: VKGL Data-share Consensus. Not counted in ClinVar's aggregate classification.

Genome Diagnostics Laboratory, University Medical Center Utrecht
Classification: Likely benign. Review status: no assertion criteria provided. Collection method: clinical testing. Allele origin: germline. Affected: yes. Study: VKGL Data-share Consensus. Not counted in ClinVar's aggregate classification.

Laboratory of Diagnostic Genome Analysis, Leiden University Medical Center (LUMC)
Classification: Likely benign. Review status: no assertion criteria provided. Collection method: clinical testing. Allele origin: germline. Affected: yes. Study: VKGL Data-share Consensus. Not counted in ClinVar's aggregate classification.

NM_002547.3(OPHN1):c.902C>T (p.Thr301Met)

Gene: OPHN1 (oligophrenin 1; minus strand). Cytogenetic location: Xq12.
Variant type: single nucleotide variant.
Coding change: c.902C>T on transcript NM_002547.3 (MANE Select); coding-DNA position 902, C replaced by T.
Protein change: p.Thr301Met; replaces threonine 301 with methionine.
Molecular consequence: missense variant.
Genome position (GRCh38, 1-based): chrX:68,206,604, G>A on the plus strand (C>T on the coding strand, the complement: OPHN1 is on the minus strand). VCF-style: chrX-68206604-G-A. GRCh37 (hg19) VCF-style: chrX-67426446-G-A.
Other names: short protein forms T301M.
Identifiers: ClinVar variation 159480 (VCV000159480.27), dbSNP rs138108344, ClinGen allele CA172918.